The following is an entry in ClinVar:

ClinVar aggregate classification (germline): Uncertain significance (1 of 4 stars; one submission).

Conditions:
Congenital hyperammonemia, type I. Also called: Carbamoyl phosphate synthetase I deficiency disease; Carbamoyl phosphate synthetase 1 deficiency; Hyperammonemia due to carbamoyl phosphate synthetase 1 deficiency; CPS 1 deficiency; Carbamyl phosphate synthetase (CPS) deficiency; Carbamoyl-phosphate synthase I deficiency. Identifiers: Orphanet 147, MedGen C4082171, MONDO:0009376, OMIM 237300.

Submission:

Labcorp Genetics (formerly Invitae), Labcorp
Classification: Uncertain significance for Congenital hyperammonemia, type I. Last evaluated: 2021-10-07. Review status: criteria provided, single submitter. Criteria: Invitae Variant Classification Sherloc (09022015). Collection method: clinical testing. Allele origin: germline.
Comment: In summary, the available evidence is currently insufficient to determine the role of this variant in disease. Therefore, it has been classified as a Variant of Uncertain Significance. Algorithms developed to predict the effect of missense changes on protein structure and function are either unavailable or do not agree on the potential impact of this missense change (SIFT: "Deleterious"; PolyPhen-2: "Possibly Damaging"; Align-GVGD: "Class C0"). This variant has not been reported in the literature in individuals affected with CPS1-related conditions. This variant is not present in population databases (ExAC no frequency). This sequence change replaces histidine with arginine at codon 1490 of the CPS1 protein (p.His1490Arg). The histidine residue is moderately conserved and there is a small physicochemical difference between histidine and arginine.

NM_001875.5(CPS1):c.4469A>G (p.His1490Arg)

Gene: CPS1 (carbamoyl-phosphate synthase 1; plus strand). Cytogenetic location: 2q34.
Variant type: single nucleotide variant.
Coding change: c.4469A>G on transcript NM_001875.5 (MANE Select); coding-DNA position 4469, A replaced by G.
Protein change: p.His1490Arg; replaces histidine 1490 with arginine.
Molecular consequence: missense variant. On other transcripts: non-coding transcript variant (2).
Genome position (GRCh38, 1-based): chr2:210,677,951, A>G. VCF-style: chr2-210677951-A-G. GRCh37 (hg19) VCF-style: chr2-211542675-A-G.
Other names: c.4469A>G, p.His1490Arg (NM_001122633.3, NM_001369257.1); c.4502A>G, p.His1501Arg (NM_001369256.1); short protein forms H1501R, H1490R.
Identifiers: ClinVar variation 1385238 (VCV001385238.6), dbSNP rs2105947140, ClinGen allele CA350441308.
Genomic context (GRCh38, chr2:210,677,951, plus strand): 5'-CCAAACTTTTTGCTGAAGCTGTGCAGAAATCTCGCAAGGTGGACTCCAAGAGTCTTTTCC[A>G]CTACAGGCAGTACAGTGCTGGAAAAGCAGCATAGAGATGCAGACACCCCAGCCCCATTAT-3'
Protein context (NP_001866.2, residues 1480-1500): SRKVDSKSLF[His1490Arg]YRQYSAGKAA